The following is an entry in ClinVar:

NM_022167.4(XYLT2):c.1707C>T (p.Ala569=)

Gene: XYLT2 (xylosyltransferase 2; plus strand). Cytogenetic location: 17q21.33.
Variant type: single nucleotide variant.
Coding change: c.1707C>T on transcript NM_022167.4 (MANE Select); coding-DNA position 1707, C replaced by T.
Protein change: p.Ala569=; no amino-acid change (alanine 569 retained).
Molecular consequence: synonymous variant.
Genome position (GRCh38, 1-based): chr17:50,356,735, C>T. VCF-style: chr17-50356735-C-T. GRCh37 (hg19) VCF-style: chr17-48434096-C-T.
Identifiers: ClinVar variation 1919931 (VCV001919931.7), dbSNP rs374014693, ClinGen allele CA8646527.

ClinVar aggregate classification (germline): Likely benign. Review status: criteria provided, single submitter (1 of 4 stars). 2 submissions from 2 submitters: Likely benign (1). 1 of the submissions does not count toward it. Last evaluated 2022-04-25.

Conditions:
XYLT2-related disorder. Also called: XYLT2-related condition.

Allele frequency attached by ClinVar (database versions not stated): ExAC 0.00001; TOPMed 0.00003; ESP Exome Variant Server 0.00008; gnomAD exomes 0.00001; gnomAD 0.00003.
gnomAD v4.1: 24 of 1,607,178 alleles (0.0015%); highest among the groups gnomAD compares: Middle Eastern, 0.016%; no homozygotes.

Submissions (2):

Labcorp Genetics (formerly Invitae), Labcorp
Classification: Likely benign. Last evaluated: 2022-04-25. Review status: criteria provided, single submitter. Criteria: Invitae Variant Classification Sherloc (09022015). Collection method: clinical testing. Allele origin: germline.

PreventionGenetics, part of Exact Sciences
Classification: Likely benign for XYLT2-related condition. Last evaluated: 2020-05-22. Review status: no assertion criteria provided. Collection method: clinical testing. Allele origin: germline. Not counted in ClinVar's aggregate classification.
Comment: This variant is classified as likely benign based on ACMG/AMP sequence variant interpretation guidelines (Richards et al. 2015 PMID: 25741868, with internal and published modifications).